The following is an entry in ClinVar:

ClinVar aggregate classification (germline): Uncertain significance (1 of 4 stars; one submission).

Conditions:
Tuberous sclerosis 1 (TSC1). Identifiers: Orphanet 805, MedGen C1854465, MONDO:0008612, OMIM 191100.

gnomAD v4.1: 1 of 1,614,132 alleles (0.000062%); highest among the groups gnomAD compares: Non-Finnish European, 0.000085%; no homozygotes.

Submission:

Labcorp Genetics (formerly Invitae), Labcorp
Classification: Uncertain significance for Tuberous sclerosis 1. Last evaluated: 2022-04-21. Review status: criteria provided, single submitter. Criteria: Invitae Variant Classification Sherloc (09022015). Collection method: clinical testing. Allele origin: germline.
Comment: This sequence change replaces threonine, which is neutral and polar, with isoleucine, which is neutral and non-polar, at codon 131 of the TSC1 protein (p.Thr131Ile). This variant is not present in population databases (gnomAD no frequency). This variant has not been reported in the literature in individuals affected with TSC1-related conditions. Algorithms developed to predict the effect of missense changes on protein structure and function are either unavailable or do not agree on the potential impact of this missense change (SIFT: "Deleterious"; PolyPhen-2: "Probably Damaging"; Align-GVGD: "Class C0"). In summary, the available evidence is currently insufficient to determine the role of this variant in disease. Therefore, it has been classified as a Variant of Uncertain Significance.

NM_000368.5(TSC1):c.392C>T (p.Thr131Ile)

Gene: TSC1 (TSC complex subunit 1; minus strand). Cytogenetic location: 9q34.13.
Variant type: single nucleotide variant.
Coding change: c.392C>T on transcript NM_000368.5 (MANE Select); coding-DNA position 392, C replaced by T.
Protein change: p.Thr131Ile; replaces threonine 131 with isoleucine.
Molecular consequence: missense variant.
Genome position (GRCh38, 1-based): chr9:132,923,464, G>A on the plus strand (C>T on the coding strand, the complement: TSC1 is on the minus strand). VCF-style: chr9-132923464-G-A. GRCh37 (hg19) VCF-style: chr9-135798851-G-A.
Other names: c.392C>T, p.Thr131Ile (NM_001162426.2, NM_001406592.1, NM_001406593.1 and 16 more transcripts); c.239C>T, p.Thr80Ile (NM_001162427.2, NM_001406610.1, NM_001406611.1 and 2 more transcripts); c.29C>T, p.Thr10Ile (NM_001362177.2, NM_001406614.1, NM_001406615.1 and 10 more transcripts); c.-486C>T (NM_001406628.1, NM_001406626.1, NM_001406627.1); c.-628C>T (NM_001406629.1); c.-702C>T (NM_001406630.1); short protein forms T131I, T10I, T80I.
Identifiers: ClinVar variation 2128035 (VCV002128035.2), dbSNP rs1846680651, ClinGen allele CA375373644.